The following is an entry in ClinVar:

ClinVar aggregate classification (germline): Uncertain significance. Review status: criteria provided, multiple submitters, no conflicts (2 of 4 stars). 5 submissions from 5 submitters: Uncertain significance (5). Last evaluated 2025-08-31.

Conditions:
Familial adenomatous polyposis 1 (FAP1). Also called: POLYPOSIS, ADENOMATOUS INTESTINAL; FAMILIAL ADENOMATOUS POLYPOSIS 1, ATTENUATED. Identifiers: MedGen C2713442, MONDO:0021056, OMIM 175100. Disease mechanism: loss of function.
Classic or attenuated familial adenomatous polyposis. Identifiers: MedGen CN372698, MONDO:0021057.
Hereditary cancer-predisposing syndrome. Also called: Hereditary neoplastic syndrome; Neoplastic Syndromes, Hereditary; Tumor predisposition; Hereditary Cancer Syndrome. Identifiers: Orphanet 140162, MedGen C0027672, MeSH D009386, MONDO:0015356.

Submissions (5):

Labcorp Genetics (formerly Invitae), Labcorp
Classification: Uncertain significance for Familial adenomatous polyposis 1. Last evaluated: 2025-08-31. Review status: criteria provided, single submitter. Criteria: Invitae Variant Classification Sherloc (09022015). Collection method: clinical testing. Allele origin: germline.
Comment: This sequence change replaces alanine, which is neutral and non-polar, with aspartic acid, which is acidic and polar, at codon 1225 of the APC protein (p.Ala1225Asp). This variant is not present in population databases (gnomAD no frequency). This variant has not been reported in the literature in individuals affected with APC-related conditions. ClinVar contains an entry for this variant (Variation ID: 469932). Invitae Evidence Modeling of protein sequence and biophysical properties (such as structural, functional, and spatial information, amino acid conservation, physicochemical variation, residue mobility, and thermodynamic stability) indicates that this missense variant is not expected to disrupt APC protein function with a negative predictive value of 95%. In summary, the available evidence is currently insufficient to determine the role of this variant in disease. Therefore, it has been classified as a Variant of Uncertain Significance.

Ambry Genetics
Classification: Uncertain significance for Hereditary cancer-predisposing syndrome. Last evaluated: 2025-08-21. Review status: criteria provided, single submitter. Criteria: Ambry Variant Classification Scheme 2023. Collection method: clinical testing. Allele origin: germline.
Comment: The p.A1225D variant (also known as c.3674C>A), located in coding exon 15 of the APC gene, results from a C to A substitution at nucleotide position 3674. The alanine at codon 1225 is replaced by aspartic acid, an amino acid with dissimilar properties. This amino acid position is not well conserved in available vertebrate species. In addition, in silico predictors for this gene do not accurately predict pathogenicity. Missense alterations in APC are not a common cause of disease (Spier I et al. Genet Med. 2024 Feb;26(2):100992). Based on the available evidence, the clinical significance of this variant remains unclear.

Baylor Genetics
Classification: Uncertain significance for Familial adenomatous polyposis 1. Last evaluated: 2024-03-06. Review status: criteria provided, single submitter. Criteria: ACMG Guidelines, 2015. Collection method: clinical testing. Allele origin: unknown.

Color Diagnostics, LLC DBA Color Health
Classification: Uncertain significance for Hereditary cancer-predisposing syndrome. Last evaluated: 2024-03-06. Review status: criteria provided, single submitter. Criteria: ACMG Guidelines, 2015. Collection method: clinical testing. Allele origin: germline.
Comment: This missense variant replaces alanine with aspartic acid at codon 1225 of the APC protein. Computational prediction suggests that this variant may not impact protein structure and function (internally defined REVEL score threshold <= 0.5, PMID: 27666373). To our knowledge, functional studies have not been reported for this variant. This variant has not been reported in individuals affected with APC-related disorders in the literature. This variant has not been identified in the general population by the Genome Aggregation Database (gnomAD). The available evidence is insufficient to determine the role of this variant in disease conclusively. Therefore, this variant is classified as a Variant of Uncertain Significance.

All of Us Research Program, National Institutes of Health
Classification: Uncertain significance for Classic or attenuated familial adenomatous polyposis. Last evaluated: 2023-07-19. Review status: criteria provided, single submitter. Criteria: ACMG Guidelines, 2015. Collection method: clinical testing. Allele origin: germline. Inheritance: Autosomal dominant inheritance. Observed: 1 variant allele, 1 heterozygote.
Comment: This missense variant replaces alanine with aspartic acid at codon 1225 of the APC protein. Computational prediction suggests that this variant may not impact protein structure and function (internally defined REVEL score threshold <= 0.5, PMID: 27666373). To our knowledge, functional studies have not been reported for this variant. This variant has not been reported in individuals affected with APC-related disorders in the literature. This variant has not been identified in the general population by the Genome Aggregation Database (gnomAD). The available evidence is insufficient to determine the role of this variant in disease conclusively. Therefore, this variant is classified as a Variant of Uncertain Significance.

This study involves interpretation of variants in research participants for the purpose of population health screening. Participant phenotype was not available at the time of variant classification. Additional details can be found in publication PMID: 35346344, PMCID: PMC8962531

NM_000038.6(APC):c.3674C>A (p.Ala1225Asp)

Gene: APC (APC regulator of Wnt signaling pathway; plus strand). Cytogenetic location: 5q22.2.
Variant type: single nucleotide variant.
Coding change: c.3674C>A on transcript NM_000038.6 (MANE Select); coding-DNA position 3674, C replaced by A.
Protein change: p.Ala1225Asp; replaces alanine 1225 with aspartic acid.
Molecular consequence: missense variant.
Genome position (GRCh38, 1-based): chr5:112,839,268, C>A. VCF-style: chr5-112839268-C-A. GRCh37 (hg19) VCF-style: chr5-112174965-C-A.
Other names: c.3674C>A, p.Ala1225Asp (NM_001127510.3, NM_001354895.2); c.3620C>A, p.Ala1207Asp (NM_001127511.3); c.3728C>A, p.Ala1243Asp (NM_001354896.2); c.3704C>A, p.Ala1235Asp (NM_001354897.2); c.3599C>A, p.Ala1200Asp (NM_001354898.2); c.3590C>A, p.Ala1197Asp (NM_001354899.2); c.3551C>A, p.Ala1184Asp (NM_001354900.2); c.3497C>A, p.Ala1166Asp (NM_001354901.2); and 5 more; short protein forms A1225D, A1207D, A1065D, A1184D, A1200D, A1099D, A1124D, A1235D.
Identifiers: ClinVar variation 469932 (VCV000469932.25), dbSNP rs1554085218, ClinGen allele CA16029396.